The following is an entry in ClinVar:

NM_006231.4(POLE):c.3625G>C (p.Ala1209Pro)

Gene: POLE (DNA polymerase epsilon, catalytic subunit; minus strand). Cytogenetic location: 12q24.33.
Variant type: single nucleotide variant.
Coding change: c.3625G>C on transcript NM_006231.4 (MANE Select); coding-DNA position 3625, G replaced by C.
Protein change: p.Ala1209Pro; replaces alanine 1209 with proline.
Molecular consequence: missense variant.
Genome position (GRCh38, 1-based): chr12:132,649,847, C>G on the plus strand (G>C on the coding strand, the complement: POLE is on the minus strand). VCF-style: chr12-132649847-C-G. GRCh37 (hg19) VCF-style: chr12-133226433-C-G.
Other names: short protein forms A1209P.
Identifiers: ClinVar variation 2496842 (VCV002496842.2), dbSNP rs2042383066, ClinGen allele CA387386934.

ClinVar aggregate classification (germline): Uncertain significance (1 of 4 stars; one submission).

Conditions:
Hereditary cancer-predisposing syndrome. Also called: Neoplastic Syndromes, Hereditary; Hereditary neoplastic syndrome; Tumor predisposition; Hereditary Cancer Syndrome. Identifiers: Orphanet 140162, MedGen C0027672, MeSH D009386, MONDO:0015356.

Submission:

Ambry Genetics
Classification: Uncertain significance for Hereditary cancer-predisposing syndrome. Last evaluated: 2022-11-17. Review status: criteria provided, single submitter. Criteria: Ambry Variant Classification Scheme 2023. Collection method: clinical testing. Allele origin: germline.
Comment: The p.A1209P variant (also known as c.3625G>C), located in coding exon 30 of the POLE gene, results from a G to C substitution at nucleotide position 3625. The alanine at codon 1209 is replaced by proline, an amino acid with highly similar properties. This amino acid position is conserved. In addition, this alteration is predicted to be tolerated by in silico analysis. Since supporting evidence is limited at this time, the clinical significance of this alteration remains unclear.